The following is an entry in ClinVar:

NM_001447.3(FAT2):c.10742G>C (p.Gly3581Ala)

Genes: FAT2 (FAT atypical cadherin 2; minus strand), SLC36A1 (solute carrier family 36 member 1; plus strand). Cytogenetic location: 5q33.1.
Variant type: single nucleotide variant.
Coding change: c.10742G>C on transcript NM_001447.3 (MANE Select); coding-DNA position 10742, G replaced by C.
Protein change: p.Gly3581Ala; replaces glycine 3581 with alanine.
Molecular consequence: missense variant.
Genome position (GRCh38, 1-based): chr5:151,521,851, C>G on the plus strand (G>C on the coding strand, the complement: FAT2 is on the minus strand). VCF-style: chr5-151521851-C-G. GRCh37 (hg19) VCF-style: chr5-150901412-C-G.
Other names: short protein forms G3581A.
Identifiers: ClinVar variation 2101414 (VCV002101414.4), dbSNP rs1258887224, ClinGen allele CA361824799.

ClinVar aggregate classification (germline): Uncertain significance (1 of 4 stars; one submission).

Allele frequency attached by ClinVar (database versions not stated): TOPMed below 0.00001.
gnomAD v4.1: 1 of 1,614,208 alleles (0.000062%); highest among the groups gnomAD compares: Non-Finnish European, 0.000085%; no homozygotes.

Submission:

Labcorp Genetics (formerly Invitae), Labcorp
Classification: Uncertain significance. Last evaluated: 2022-05-24. Review status: criteria provided, single submitter. Criteria: Invitae Variant Classification Sherloc (09022015). Collection method: clinical testing. Allele origin: germline.
Comment: In summary, the available evidence is currently insufficient to determine the role of this variant in disease. Therefore, it has been classified as a Variant of Uncertain Significance. Algorithms developed to predict the effect of missense changes on protein structure and function (SIFT, PolyPhen-2, Align-GVGD) all suggest that this variant is likely to be disruptive. This variant has not been reported in the literature in individuals affected with FAT2-related conditions. This variant is not present in population databases (gnomAD no frequency). This sequence change replaces glycine, which is neutral and non-polar, with alanine, which is neutral and non-polar, at codon 3581 of the FAT2 protein (p.Gly3581Ala).